The following is an entry in ClinVar:

ClinVar aggregate classification (germline): Likely pathogenic (1 of 4 stars; one submission).

Conditions:
Joubert syndrome. Also called: JOUBERT-BOLTSHAUSER SYNDROME; Familial aplasia of the vermis. Identifiers: Orphanet 475, MedGen C5979921, MONDO:0018772.
Meckel-Gruber syndrome. Also called: DYSENCEPHALIA SPLANCHNOCYSTICA; GRUBER SYNDROME; Dysencephalia splachnocystica. Identifiers: Orphanet 564, MedGen C0265215, MONDO:0018921.

Submission:

Labcorp Genetics (formerly Invitae), Labcorp
Classification: Likely pathogenic for Joubert syndrome; Meckel-Gruber syndrome. Last evaluated: 2022-11-29. Review status: criteria provided, single submitter. Criteria: Invitae Variant Classification Sherloc (09022015). Collection method: clinical testing. Allele origin: germline.
Comment: This variant has not been reported in the literature in individuals affected with CC2D2A-related conditions. In summary, the currently available evidence indicates that the variant is pathogenic, but additional data are needed to prove that conclusively. Therefore, this variant has been classified as Likely Pathogenic. This variant disrupts the p.Glu1104 amino acid residue in CC2D2A. Other variant(s) that disrupt this residue have been determined to be pathogenic (Invitae). This suggests that this residue is clinically significant, and that variants that disrupt this residue are likely to be disease-causing. Algorithms developed to predict the effect of sequence changes on RNA splicing suggest that this variant may create or strengthen a splice site. Algorithms developed to predict the effect of missense changes on protein structure and function (SIFT, PolyPhen-2, Align-GVGD) all suggest that this variant is likely to be tolerated. ClinVar contains an entry for this variant (Variation ID: 1522405). This variant is not present in population databases (gnomAD no frequency). This sequence change replaces glutamic acid, which is acidic and polar, with lysine, which is basic and polar, at codon 1104 of the CC2D2A protein (p.Glu1104Lys).

NM_001378615.1(CC2D2A):c.3310G>A (p.Glu1104Lys)

Genes: CC2D2A (coiled-coil and C2 domain containing 2A; plus strand), FBXL5 (F-box and leucine rich repeat protein 5; minus strand). Cytogenetic location: 4p15.32.
Variant type: single nucleotide variant.
Coding change: c.3310G>A on transcript NM_001378615.1 (MANE Select); coding-DNA position 3310, G replaced by A.
Protein change: p.Glu1104Lys; replaces glutamic acid 1104 with lysine.
Molecular consequence: missense variant.
Genome position (GRCh38, 1-based): chr4:15,567,698, G>A. VCF-style: chr4-15567698-G-A. GRCh37 (hg19) VCF-style: chr4-15569321-G-A.
Other names: c.3310G>A, p.Glu1104Lys (NM_001080522.2); c.3163G>A, p.Glu1055Lys (NM_001378617.1); short protein forms E1104K, E1055K.
Identifiers: ClinVar variation 1522405 (VCV001522405.8), dbSNP rs2109070604, ClinGen allele CA356418689.